The following is an entry in ClinVar:

ClinVar aggregate classification (germline): Likely benign (1 of 4 stars; one submission).

Conditions:
PCNT-related disorder. Also called: PCNT-related condition.

gnomAD v4.1: 1 of 1,613,670 alleles (0.000062%); highest among the groups gnomAD compares: South Asian, 0.0011%; no homozygotes.

Submission:

PreventionGenetics, part of Exact Sciences
Classification: Likely benign for PCNT-related condition. Last evaluated: 2025-04-11. Review status: criteria provided, single submitter. Criteria: ACMG Guidelines, 2015. Collection method: clinical testing. Allele origin: germline.
Comment: This variant is classified as likely benign based on ACMG/AMP sequence variant interpretation guidelines (Richards et al. 2015 PMID: 25741868, with internal and published modifications).

NM_006031.6(PCNT):c.7167G>C (p.Pro2389=)

Gene: PCNT (pericentrin; plus strand). Cytogenetic location: 21q22.3.
Variant type: single nucleotide variant.
Coding change: c.7167G>C on transcript NM_006031.6 (MANE Select); coding-DNA position 7167, G replaced by C.
Protein change: p.Pro2389=; no amino-acid change (proline 2389 retained).
Molecular consequence: synonymous variant.
Genome position (GRCh38, 1-based): chr21:46,422,112, G>C. VCF-style: chr21-46422112-G-C. GRCh37 (hg19) VCF-style: chr21-47842026-G-C.
Other names: c.6813G>C, p.Pro2271= (NM_001315529.2).
Identifiers: ClinVar variation 5000120 (VCV005000120.1).